The following is an entry in ClinVar:

NM_017588.3(WDR5):c.277G>A (p.Val93Ile)

Gene: WDR5 (WD repeat domain 5; plus strand). Cytogenetic location: 9q34.2.
Variant type: single nucleotide variant.
Coding change: c.277G>A on transcript NM_017588.3 (MANE Select); coding-DNA position 277, G replaced by A.
Protein change: p.Val93Ile; replaces valine 93 with isoleucine.
Molecular consequence: missense variant. On other transcripts: intron variant (2).
Genome position (GRCh38, 1-based): chr9:134,141,961, G>A. VCF-style: chr9-134141961-G-A. GRCh37 (hg19) VCF-style: chr9-137007083-G-A.
Other names: c.277G>A, p.Val93Ile (NM_001384409.1, NM_001384410.1, NM_001384411.1 and 7 more transcripts); c.191-43G>A (NM_001384418.1, NM_001384419.1); short protein forms V93I.
Identifiers: ClinVar variation 4200789 (VCV004200789.5).

ClinVar aggregate classification (germline): Conflicting classifications of pathogenicity. Review status: criteria provided, conflicting classifications (1 of 4 stars). 2 submissions from 2 submitters: Uncertain significance (1); Likely benign (1). Last evaluated 2026-03-01.

gnomAD v4.1: 65 of 1,614,064 alleles (0.004%); highest among the groups gnomAD compares: Middle Eastern, 0.016%; no homozygotes.

Submissions (2):

CeGaT Center for Human Genetics Tuebingen
Classification: Likely benign. Last evaluated: 2026-03-01. Review status: criteria provided, single submitter. Criteria: CeGaT Center For Human Genetics Tuebingen Variant Classification Criteria Version 2. Collection method: clinical testing. Allele origin: germline. Affected: yes. Observed: 1 variant allele.
Comment: WDR5: PP2, BS2

Ambry Genetics
Classification: Uncertain significance. Last evaluated: 2025-08-10. Review status: criteria provided, single submitter. Criteria: Ambry Variant Classification Scheme 2023. Collection method: clinical testing. Allele origin: germline.